The following is an entry in ClinVar:

NM_007118.4(TRIO):c.6428A>G (p.Asn2143Ser)

Gene: TRIO (trio Rho guanine nucleotide exchange factor; plus strand). Cytogenetic location: 5p15.2.
Variant type: single nucleotide variant.
Coding change: c.6428A>G on transcript NM_007118.4 (MANE Select); coding-DNA position 6428, A replaced by G.
Protein change: p.Asn2143Ser; replaces asparagine 2143 with serine.
Molecular consequence: missense variant. On other transcripts: non-coding transcript variant (1).
Genome position (GRCh38, 1-based): chr5:14,481,581, A>G. VCF-style: chr5-14481581-A-G. GRCh37 (hg19) VCF-style: chr5-14481690-A-G.
Other names: short protein forms N2143S.
Identifiers: ClinVar variation 1691551 (VCV001691551.3), dbSNP rs2126606723, ClinGen allele CA359235318.

ClinVar aggregate classification (germline): Uncertain significance (1 of 4 stars; one submission).

Submission:

Centre of Medical Genetics, University Hospital Muenster
Classification: Uncertain significance. Last evaluated: 2022-05-04. Review status: criteria provided, single submitter. Criteria: ACMG Guidelines, 2015. Collection method: clinical testing. Allele origin: unknown. Affected: yes. Observed: 1 variant allele, 1 heterozygote.
Comment: ACMG categories: PM1,PM2,PP3